The following is an entry in ClinVar:

ClinVar aggregate classification (germline): Pathogenic (1 of 4 stars; one submission).

Conditions:
Breast-ovarian cancer, familial, susceptibility to, 1 (BROVCA1). Also called: BRCA1 Hereditary Breast and Ovarian Cancer; OVARIAN CANCER, SUSCEPTIBILITY TO. Identifiers: Orphanet 145, MedGen C2676676, MONDO:0011450, OMIM 604370. Disease mechanism: loss of function.

Submission:

Department of Clinical Genetics, Copenhagen University Hospital, Rigshospitalet
Classification: Pathogenic for Breast-ovarian cancer, familial, susceptibility to, 1. Last evaluated: 2024-05-27. Review status: criteria provided, single submitter. Criteria: ACMG Guidelines, 2015. Collection method: clinical testing. Allele origin: germline. Affected: yes.
Comment: PVS1; PM5_PTC_Strong

NM_007294.4(BRCA1):c.4321_4324del (p.Asp1441fs)

Gene: BRCA1 (BRCA1 DNA repair associated; minus strand). Cytogenetic location: 17q21.31.
Variant type: Deletion.
Coding change: c.4321_4324del on transcript NM_007294.4 (MANE Select); coding-DNA positions 4321 to 4324, 4 bases deleted (GACC; older notation c.4321_4324delGACC).
Protein change: p.Asp1441fs; shifts the reading frame from aspartic acid 1441.
Molecular consequence: frameshift variant.
Genome position (GRCh38, 1-based): chr17:43,082,437-43,082,440, GGTC deleted on the plus strand (GACC on the coding strand, the reverse complement: BRCA1 is on the minus strand). VCF-style (leftmost placement, unchanged base first): chr17-43082436-AGGTC-A. GRCh37 (hg19) VCF-style: chr17-41234453-AGGTC-A.
Other names: c.889_892del, p.Asp297fs (NM_001408425.1, NM_001408426.1, NM_001408427.1 and 8 more transcripts); c.892_895del, p.Asp298fs (NM_001408431.1, NM_001408421.1, NM_001408424.1); c.886_889del, p.Asp296fs (NM_001408432.1, NM_001408443.1, NM_001408444.1 and 10 more transcripts); c.877_880del, p.Asp293fs (NM_001408451.1); c.868_871del, p.Asp290fs (NM_001408462.1, NM_001408463.1, NM_001408464.1 and 5 more transcripts); c.802_805del, p.Asp268fs (NM_001408482.1, NM_001408483.1, NM_001408484.1 and 6 more transcripts); c.799_802del, p.Asp267fs (NM_001408489.1, NM_001408490.1, NM_001408491.1 and 3 more transcripts); c.745_748del, p.Asp249fs (NM_001408503.1, NM_001408504.1, NM_001408505.1); and 52 more; short protein forms D1145fs, D1272fs, D1313fs, D1314fs, D1328fs, D1329fs, D1330fs, D1351fs.
Identifiers: ClinVar variation 3236918 (VCV003236918.1), dbSNP rs2551898316.